The following is an entry in ClinVar:

NM_133474.4(ZNF721):c.1722A>G (p.Val574=)

Gene: ZNF721 (zinc finger protein 721; minus strand). Cytogenetic location: 4p16.3.
Variant type: single nucleotide variant.
Coding change: c.1722A>G on transcript NM_133474.4 (MANE Select); coding-DNA position 1722, A replaced by G.
Protein change: p.Val574=; no amino-acid change (valine 574 retained).
Molecular consequence: synonymous variant.
Genome position (GRCh38, 1-based): chr4:442,745, T>C on the plus strand (A>G on the coding strand, the complement: ZNF721 is on the minus strand). VCF-style: chr4-442745-T-C. GRCh37 (hg19) VCF-style: chr4-436534-T-C.
Identifiers: ClinVar variation 2654525 (VCV002654525.24), dbSNP rs200938371, ClinGen allele CA2792361.

ClinVar aggregate classification (germline): Likely benign (1 of 4 stars; one submission).

Allele frequency attached by ClinVar (database versions not stated): 1000 Genomes Project 30x 0.00016; 1000 Genomes Project 0.00020; gnomAD 0.00060; ESP Exome Variant Server 0.00063; TOPMed 0.00072; ExAC 0.00075.
gnomAD v4.1: 937 of 1,614,226 alleles (0.058%); highest among the groups gnomAD compares: Middle Eastern, 1%; 4 homozygotes.

Submission:

CeGaT Center for Human Genetics Tuebingen
Classification: Likely benign. Last evaluated: 2022-05-01. Review status: criteria provided, single submitter. Criteria: CeGaT Center For Human Genetics Tuebingen Variant Classification Criteria Version 2. Collection method: clinical testing. Allele origin: germline. Affected: yes. Observed: 1 variant allele.
Comment: ZNF721: BP4, BP7